The following is an entry in ClinVar:

ClinVar aggregate classification (germline): Uncertain significance (1 of 4 stars; one submission).

gnomAD v4.1: 3 of 1,614,020 alleles (0.00019%); highest among the groups gnomAD compares: Admixed American, 0.0017%; no homozygotes.

Submission:

CeGaT Center for Human Genetics Tuebingen
Classification: Uncertain significance. Last evaluated: 2026-08-01. Review status: criteria provided, single submitter. Criteria: CeGaT Center For Human Genetics Tuebingen Variant Classification Criteria Version 2. Collection method: clinical testing. Allele origin: germline. Affected: yes. Observed: 1 variant allele.
Comment: SHANK2: PM2, BP4

NM_012309.5(SHANK2):c.3732C>T (p.Asn1244=)

Gene: SHANK2 (SH3 and multiple ankyrin repeat domains 2; minus strand). Cytogenetic location: 11q13.3.
Variant type: single nucleotide variant.
Coding change: c.3732C>T on transcript NM_012309.5 (MANE Select); coding-DNA position 3732, C replaced by T.
Protein change: p.Asn1244=; no amino-acid change (asparagine 1244 retained).
Molecular consequence: synonymous variant.
Genome position (GRCh38, 1-based): chr11:70,486,561, G>A on the plus strand (C>T on the coding strand, the complement: SHANK2 is on the minus strand). VCF-style: chr11-70486561-G-A. GRCh37 (hg19) VCF-style: chr11-70332666-G-A.
Other names: c.2595C>T, p.Asn865= (NM_001379226.1); c.3852C>T, p.Asn1284= (NM_001441024.1); c.3681C>T, p.Asn1227= (NM_001441025.1, NM_001441026.1, NM_001441027.1 and 8 more transcripts); c.3654C>T, p.Asn1218= (NM_001441035.1, NM_001441036.1, NM_001441037.1); c.3609C>T, p.Asn1203= (NM_001441038.1); c.2565C>T, p.Asn855= (NM_001441040.1); c.2517C>T, p.Asn839= (NM_001441041.1); c.1959C>T, p.Asn653= (NM_001441042.1); and 6 more.
Identifiers: ClinVar variation 5040484 (VCV005040484.1).